The following is an entry in ClinVar:

ClinVar aggregate classification (germline): Benign/Likely benign. Review status: criteria provided, multiple submitters, no conflicts (2 of 4 stars). 7 submissions from 7 submitters: Benign (1); Likely benign (5). 1 of the submissions does not count toward it. Last evaluated 2026-01-31.

Conditions:
Xeroderma pigmentosum group A (XPA). Also called: Xeroderma pigmentosum, complementation group A; XP, group A; XPA-Related Xeroderma Pigmentosum. Identifiers: Orphanet 910, MedGen C0268135, MONDO:0010210, OMIM 278700.

Allele frequency attached by ClinVar (database versions not stated): gnomAD 0.00838 and 0.00899; 1000 Genomes Project 0.00919; TOPMed 0.00929; ESP Exome Variant Server 0.00930; 1000 Genomes Project 30x 0.00984.
gnomAD v4.1: 2,481 of 1,614,008 alleles (0.15%); highest among the groups gnomAD compares: African/African-American, 3%; 33 homozygotes.

Submissions (7):

Labcorp Genetics (formerly Invitae), Labcorp
Classification: Benign. Last evaluated: 2026-01-31. Review status: criteria provided, single submitter. Criteria: Invitae Variant Classification Sherloc (09022015). Collection method: clinical testing. Allele origin: germline.

GeneDx
Classification: Likely benign. Last evaluated: 2024-11-06. Review status: criteria provided, single submitter. Criteria: GeneDx Variant Classification Process June 2021. Collection method: clinical testing. Allele origin: germline. Affected: yes.
Comment: See Variant Classification Assertion Criteria.

KCCC/NGS Laboratory, Kuwait Cancer Control Center
Classification: Likely benign for Xeroderma pigmentosum group A. Last evaluated: 2023-07-07. Review status: criteria provided, single submitter. Criteria: ACMG Guidelines, 2015. Collection method: clinical testing. Allele origin: germline. Affected: yes.

Fulgent Genetics
Classification: Likely benign for Xeroderma pigmentosum group A. Last evaluated: 2022-04-23. Review status: criteria provided, single submitter. Criteria: ACMG Guidelines, 2015. Collection method: clinical testing. Allele origin: unknown.

Illumina Laboratory Services, Illumina
Classification: Likely benign for Xeroderma pigmentosum group A. Last evaluated: 2017-04-28. Review status: criteria provided, single submitter. Criteria: ICSL Variant Classification Criteria 13 December 2019. Collection method: clinical testing. Allele origin: germline.
Comment: This variant was observed as part of a predisposition screen in an ostensibly healthy population. A literature search was performed for the gene, cDNA change, and amino acid change (where applicable). Publications were found based on this search. The evidence from the literature, in combination with allele frequency data from public databases where available, was sufficient to determine this variant is unlikely to cause disease. Therefore, this variant is classified as likely benign.

Breakthrough Genomics
Classification: Likely benign. Review status: criteria provided, single submitter. Criteria: ACMG Guidelines, 2015. Collection method: not provided. Allele origin: germline. Inheritance: Autosomal recessive inheritance. Affected: yes.

ITMI
No classification provided. Condition: AllHighlyPenetrant. Last evaluated: 2013-09-19. Review status: no classification provided. Collection method: reference population. Allele origin: germline. Not counted in ClinVar's aggregate classification.
Comment: Please see associated publication for description of ethnicities

Literature cited by the submitters: PubMed 24728327 (cited by Illumina Laboratory Services, Illumina and ITMI); PubMed 22190868 (cited by Illumina Laboratory Services, Illumina).

NM_000380.4(XPA):c.766A>G (p.Met256Val)

Gene: XPA (XPA, DNA damage recognition and repair factor; minus strand). Cytogenetic location: 9q22.33.
Variant type: single nucleotide variant.
Coding change: c.766A>G on transcript NM_000380.4 (MANE Select); coding-DNA position 766, A replaced by G.
Protein change: p.Met256Val; replaces methionine 256 with valine.
Molecular consequence: missense variant. On other transcripts: non-coding transcript variant (5).
Genome position (GRCh38, 1-based): chr9:97,675,495, T>C on the plus strand (A>G on the coding strand, the complement: XPA is on the minus strand). VCF-style: chr9-97675495-T-C. GRCh37 (hg19) VCF-style: chr9-100437777-T-C.
Other names: c.640A>G, p.Met214Val (NM_001354975.2); short protein forms M256V, M214V.
Identifiers: ClinVar variation 135460 (VCV000135460.20), dbSNP rs57519506, ClinGen allele CA162838.
Genomic context (GRCh38, chr9:97,675,495, plus strand): 5'-AAAATCACATTTTTTCATATGTCAGTTCATGGCCACACATAGTACAAGTCTTACGGTACA[T>C]GTCATCTTCTAGGTTTTCTTCTGGTCCATACTCATGTTGATGAACAATCGTCTCCCTTTT-3'
Protein context (NP_000371.1, residues 246-266): YGPEENLEDD[Met256Val]YRKTCTMCGH